The following is an entry in ClinVar:

ClinVar aggregate classification (germline): Uncertain significance (1 of 4 stars; one submission).

Submission:

Labcorp Genetics (formerly Invitae), Labcorp
Classification: Uncertain significance. Last evaluated: 2024-06-03. Review status: criteria provided, single submitter. Criteria: Invitae Variant Classification Sherloc (09022015). Collection method: clinical testing. Allele origin: germline.
Comment: This sequence change replaces histidine, which is basic and polar, with asparagine, which is neutral and polar, at codon 1172 of the KANK1 protein (p.His1172Asn). This variant is not present in population databases (gnomAD no frequency). This variant has not been reported in the literature in individuals affected with KANK1-related conditions. ClinVar contains an entry for this variant (Variation ID: 1713606). Advanced modeling of protein sequence and biophysical properties (such as structural, functional, and spatial information, amino acid conservation, physicochemical variation, residue mobility, and thermodynamic stability) performed at Invitae indicates that this missense variant is expected to disrupt KANK1 protein function with a positive predictive value of 80%. In summary, the available evidence is currently insufficient to determine the role of this variant in disease. Therefore, it has been classified as a Variant of Uncertain Significance.

NM_015158.5(KANK1):c.3514C>A (p.His1172Asn)

Genes: KANK1 (KN motif and ankyrin repeat domains 1; plus strand), LOC126860554 (MED14-independent group 3 enhancer GRCh37_chr9:737889-739088; plus strand). Cytogenetic location: 9p24.3.
Variant type: single nucleotide variant.
Coding change: c.3514C>A on transcript NM_015158.5 (MANE Select); coding-DNA position 3514, C replaced by A.
Protein change: p.His1172Asn; replaces histidine 1172 with asparagine.
Molecular consequence: missense variant. On other transcripts: non-coding transcript variant (1).
Genome position (GRCh38, 1-based): chr9:738,465, C>A. VCF-style: chr9-738465-C-A. GRCh37 (hg19) VCF-style: chr9-738465-C-A.
Other names: c.3514C>A, p.His1172Asn (NM_001256876.3, NM_001256877.3, NM_001354334.2); c.3274C>A, p.His1092Asn (NM_001354331.2); c.3460C>A, p.His1154Asn (NM_001354332.2); c.3040C>A, p.His1014Asn (NM_001354333.2, NM_001354335.2, NM_001354337.2 and 2 more transcripts); c.2746C>A, p.His916Asn (NM_001354336.2); c.2986C>A, p.His996Asn (NM_001354338.2, NM_001354340.2, NM_001354344.2); c.2800C>A, p.His934Asn (NM_001354339.2, NM_001354342.2, NM_001354343.2); short protein forms H1014N, H1092N, H1154N, H1172N, H916N, H934N, H996N.
Identifiers: ClinVar variation 1713606 (VCV001713606.6), dbSNP rs2540639086, ClinGen allele CA372759362.